The following is an entry in ClinVar:

ClinVar aggregate classification (germline): Pathogenic/Likely pathogenic. Review status: criteria provided, multiple submitters, no conflicts (2 of 4 stars). 3 submissions from 3 submitters: Pathogenic (1); Likely pathogenic (2). Last evaluated 2023-07-17.

Conditions:
CEP290-related disorder. Also called: CEP290-related condition; CEP290-related disorders. Identifiers: MedGen CN239314.
Bardet-Biedl syndrome 14 (BBS14). Identifiers: Orphanet 110, MedGen C2673874, MONDO:0014442, OMIM 615991.
Meckel-Gruber syndrome. Also called: Dysencephalia splachnocystica; DYSENCEPHALIA SPLANCHNOCYSTICA; GRUBER SYNDROME. Identifiers: Orphanet 564, MedGen C0265215, MONDO:0018921.
Nephronophthisis. Also called: Juvenile Nephronophthisis. Identifiers: Orphanet 655, MedGen C0687120, MONDO:0019005, HP:0000090.
Joubert syndrome. Also called: Familial aplasia of the vermis; JOUBERT-BOLTSHAUSER SYNDROME. Identifiers: Orphanet 475, MedGen C5979921, MONDO:0018772.

Submissions (3):

Labcorp Genetics (formerly Invitae), Labcorp
Classification: Pathogenic for Joubert syndrome; Meckel-Gruber syndrome; Nephronophthisis. Last evaluated: 2023-07-17. Review status: criteria provided, single submitter. Criteria: Invitae Variant Classification Sherloc (09022015). Collection method: clinical testing. Allele origin: germline.
Comment: For these reasons, this variant has been classified as Pathogenic. This variant has not been reported in the literature in individuals affected with CEP290-related conditions. This variant is not present in population databases (gnomAD no frequency). This sequence change creates a premature translational stop signal (p.Arg2306Asnfs*40) in the CEP290 gene. It is expected to result in an absent or disrupted protein product. Loss-of-function variants in CEP290 are known to be pathogenic (PMID: 16909394, 17345604, 20690115).

Baylor Genetics
Classification: Likely pathogenic for Bardet-Biedl syndrome 14. Last evaluated: 2023-02-12. Review status: criteria provided, single submitter. Criteria: ACMG Guidelines, 2015. Collection method: clinical testing. Allele origin: unknown.

Blueprint Genetics
Classification: Likely pathogenic for CEP290-related disorders. Last evaluated: 2021-08-26. Review status: criteria provided, single submitter. Criteria: ACMG Guidelines, 2015. Collection method: clinical testing. Allele origin: germline. Affected: yes. Observed: 1 variant allele.

Literature cited by the submitters: PubMed 16909394 (cited by Labcorp Genetics (formerly Invitae), Labcorp); PubMed 17345604 (cited by Labcorp Genetics (formerly Invitae), Labcorp); PubMed 20690115 (cited by Labcorp Genetics (formerly Invitae), Labcorp).

NM_025114.4(CEP290):c.6917_6920del (p.Arg2306fs)

Gene: CEP290 (centrosomal protein 290; minus strand). Cytogenetic location: 12q21.32.
Variant type: Microsatellite.
Coding change: c.6917_6920del on transcript NM_025114.4 (MANE Select); coding-DNA positions 6917 to 6920, 4 bases deleted (GAGA; older notation c.6917_6920delGAGA).
Protein change: p.Arg2306fs; shifts the reading frame from arginine 2306.
Molecular consequence: frameshift variant.
Genome position (GRCh38, 1-based): chr12:88,055,616-88,055,619, TCTC deleted on the plus strand (GAGA on the coding strand, the reverse complement: CEP290 is on the minus strand); deleting any 4 consecutive bases within chr12:88,055,616-88,055,624 gives the same sequence; the c. name uses the placement nearest the transcript's 3' end. VCF-style (leftmost placement, unchanged base first): chr12-88055615-TTCTC-T. GRCh37 (hg19) VCF-style: chr12-88449392-TTCTC-T.
Other names: short protein forms R2306fs.
Identifiers: ClinVar variation 1459825 (VCV001459825.8), dbSNP rs1177923180, ClinGen allele CA693038499.
Genomic context (GRCh38, chr12:88,055,615, plus strand): 5'-AAGAAAAATTACGTTACTTACCTGTTGTTCAAGGTCTTCATTGTATTTGTTAACTTTTTG[TTCTC>T]TCTCTGTTGCTTCTTTTACAAGCTGTTTAAGGTCAGTAATGCTTTGATTTTTTTTGGCAA-3'